The following is an entry in ClinVar:

NM_004380.3(CREBBP):c.1293C>T (p.Leu431=)

Gene: CREBBP (CREB binding lysine acetyltransferase; minus strand). Cytogenetic location: 16p13.3.
Variant type: single nucleotide variant.
Coding change: c.1293C>T on transcript NM_004380.3 (MANE Select); coding-DNA position 1293, C replaced by T.
Protein change: p.Leu431=; no amino-acid change (leucine 431 retained).
Molecular consequence: synonymous variant. On other transcripts: intron variant (1).
Genome position (GRCh38, 1-based): chr16:3,792,018, G>A on the plus strand (C>T on the coding strand, the complement: CREBBP is on the minus strand). VCF-style: chr16-3792018-G-A. GRCh37 (hg19) VCF-style: chr16-3842019-G-A.
Other names: c.1216+1368C>T (NM_001079846.1).
Identifiers: ClinVar variation 3353177 (VCV003353177.1).

ClinVar aggregate classification (germline): Likely benign (0 of 4 stars; one submission).

Conditions:
CREBBP-related disorder. Also called: CREBBP-related condition; CREBBP-related disorders.

gnomAD v4.1: 9 of 1,614,090 alleles (0.00056%); highest among the groups gnomAD compares: Non-Finnish European, 0.00068%; no homozygotes.

Submission:

PreventionGenetics, part of Exact Sciences
Classification: Likely benign for CREBBP-related condition. Last evaluated: 2024-04-13. Review status: no assertion criteria provided. Collection method: clinical testing. Allele origin: germline.
Comment: This variant is classified as likely benign based on ACMG/AMP sequence variant interpretation guidelines (Richards et al. 2015 PMID: 25741868, with internal and published modifications).